The following is an entry in ClinVar:

NM_001164508.2(NEB):c.6495+6G>A

Gene: NEB (nebulin; minus strand). Cytogenetic location: 2q23.3.
Variant type: single nucleotide variant.
Coding change: c.6495+6G>A on transcript NM_001164508.2 (MANE Select); 6 bases into the intron after coding-DNA position 6495, G replaced by A.
Molecular consequence: intron variant.
Genome position (GRCh38, 1-based): chr2:151,656,147, C>T on the plus strand (G>A on the coding strand, the complement: NEB is on the minus strand). VCF-style: chr2-151656147-C-T. GRCh37 (hg19) VCF-style: chr2-152512661-C-T.
Other names: c.6495+6G>A (NM_004543.5, NM_001164507.2, NM_001271208.2).
Identifiers: ClinVar variation 1016913 (VCV001016913.4), dbSNP rs1022052250, ClinGen allele CA57636250.
Genomic context (GRCh38, chr2:151,656,147, plus strand): 5'-AACAGACTGTGATCTCCCTTCCCATGCTAGGATTCCAACCATCACCCAAGTAGAAGAAAG[C>T]CTTACATCACTCTGTATGCGATTCATATTCCTGGTCAGCTCAATGTTCATTGCATCTGGA-3'

ClinVar aggregate classification (germline): Uncertain significance (1 of 4 stars; one submission).

Conditions:
Nemaline myopathy 2 (NEM2). Also called: Nemaline myopathy 2, autosomal recessive. Identifiers: MedGen C1850569, MONDO:0009725, OMIM 256030.

Allele frequency attached by ClinVar (database versions not stated): gnomAD exomes below 0.00001 and 0.00001; TOPMed 0.00002; gnomAD 0.00003.
gnomAD v4.1: 6 of 1,580,040 alleles (0.00038%); highest among the groups gnomAD compares: African/African-American, 0.0067%; no homozygotes.

Submission:

Labcorp Genetics (formerly Invitae), Labcorp
Classification: Uncertain significance for Nemaline myopathy 2. Last evaluated: 2024-01-25. Review status: criteria provided, single submitter. Criteria: Invitae Variant Classification Sherloc (09022015). Collection method: clinical testing. Allele origin: germline.
Comment: This sequence change falls in intron 49 of the NEB gene. It does not directly change the encoded amino acid sequence of the NEB protein. It affects a nucleotide within the consensus splice site. This variant is present in population databases (no rsID available, gnomAD 0.01%). This variant has not been reported in the literature in individuals affected with NEB-related conditions. ClinVar contains an entry for this variant (Variation ID: 1016913). Variants that disrupt the consensus splice site are a relatively common cause of aberrant splicing (PMID: 17576681, 9536098). Algorithms developed to predict the effect of sequence changes on RNA splicing suggest that this variant is not likely to affect RNA splicing. In summary, the available evidence is currently insufficient to determine the role of this variant in disease. Therefore, it has been classified as a Variant of Uncertain Significance.

Literature cited by the submitters: PubMed 17576681; PubMed 9536098.